The following is an entry in ClinVar:

NM_015311.3(OBSL1):c.5177G>C (p.Arg1726Pro)

Gene: OBSL1 (obscurin like cytoskeletal adaptor 1; minus strand). Cytogenetic location: 2q35.
Variant type: single nucleotide variant.
Coding change: c.5177G>C on transcript NM_015311.3 (MANE Select); coding-DNA position 5177, G replaced by C.
Protein change: p.Arg1726Pro; replaces arginine 1726 with proline.
Molecular consequence: missense variant.
Genome position (GRCh38, 1-based): chr2:219,552,667, C>G on the plus strand (G>C on the coding strand, the complement: OBSL1 is on the minus strand). VCF-style: chr2-219552667-C-G. GRCh37 (hg19) VCF-style: chr2-220417389-C-G.
Other names: c.5177G>C (NM_015311.2); short protein forms R1726P.
Identifiers: ClinVar variation 1502816 (VCV001502816.9), dbSNP rs1369924352, ClinGen allele CA350719371.

ClinVar aggregate classification (germline): Uncertain significance. Review status: criteria provided, multiple submitters, no conflicts (2 of 4 stars). 2 submissions from 2 submitters: Uncertain significance (2). Last evaluated 2024-10-08.

Conditions:
Inborn genetic diseases. Identifiers: MedGen C0950123, MeSH D030342.

Allele frequency attached by ClinVar (database versions not stated): TOPMed below 0.00001; gnomAD 0.00002 and 0.00003.
gnomAD v4.1: 4 of 1,538,426 alleles (0.00026%); highest among the groups gnomAD compares: African/African-American, 0.0041%; no homozygotes.

Submissions (2):

Labcorp Genetics (formerly Invitae), Labcorp
Classification: Uncertain significance. Last evaluated: 2024-10-08. Review status: criteria provided, single submitter. Criteria: Invitae Variant Classification Sherloc (09022015). Collection method: clinical testing. Allele origin: germline.
Comment: This sequence change replaces arginine, which is basic and polar, with proline, which is neutral and non-polar, at codon 1726 of the OBSL1 protein (p.Arg1726Pro). This variant is present in population databases (no rsID available, gnomAD 0.01%). This variant has not been reported in the literature in individuals affected with OBSL1-related conditions. ClinVar contains an entry for this variant (Variation ID: 1502816). An algorithm developed to predict the effect of missense changes on protein structure and function (PolyPhen-2) suggests that this variant is likely to be tolerated. In summary, the available evidence is currently insufficient to determine the role of this variant in disease. Therefore, it has been classified as a Variant of Uncertain Significance.

Ambry Genetics
Classification: Uncertain significance for Inborn genetic diseases. Last evaluated: 2021-07-20. Review status: criteria provided, single submitter. Criteria: Ambry Variant Classification Scheme 2023. Collection method: clinical testing. Allele origin: germline.